The following is an entry in ClinVar:

NM_020778.5(ALPK3):c.664C>T (p.Gln222Ter)

Gene: ALPK3 (alpha kinase 3; plus strand). Cytogenetic location: 15q25.3.
Variant type: single nucleotide variant.
Coding change: c.664C>T on transcript NM_020778.5 (MANE Select); coding-DNA position 664, C replaced by T.
Protein change: p.Gln222Ter; replaces glutamine 222 with a stop codon.
Molecular consequence: nonsense.
Genome position (GRCh38, 1-based): chr15:84,839,943, C>T. VCF-style: chr15-84839943-C-T. GRCh37 (hg19) VCF-style: chr15-85383174-C-T.
Other names: short protein forms Q222*.
Identifiers: ClinVar variation 1455358 (VCV001455358.6), dbSNP rs2141556442, ClinGen allele CA393373257.
Genomic context (GRCh38, chr15:84,839,943, plus strand): 5'-CACGAGAAGGCGGTGCCTGGGGAGGTCGACACTCTGCGCAAGCTCAGCCCCGACCGCTTC[C>T]AGCGAAAGCGGCGATTGAGCGGGGCTCAAGCGCCGGGCCCCTCGGTCCCTACCAGGGAGC-3'

ClinVar aggregate classification (germline): Pathogenic (1 of 4 stars; one submission).

Allele frequency attached by ClinVar (database versions not stated): gnomAD exomes below 0.00001.
gnomAD v4.1: 1 of 1,613,612 alleles (0.000062%); highest among the groups gnomAD compares: Non-Finnish European, 0.000085%; no homozygotes.

Submission:

Labcorp Genetics (formerly Invitae), Labcorp
Classification: Pathogenic. Last evaluated: 2022-08-22. Review status: criteria provided, single submitter. Criteria: Invitae Variant Classification Sherloc (09022015). Collection method: clinical testing. Allele origin: germline.
Comment: For these reasons, this variant has been classified as Pathogenic. ClinVar contains an entry for this variant (Variation ID: 1455358). This variant has not been reported in the literature in individuals affected with ALPK3-related conditions. This variant is not present in population databases (gnomAD no frequency). This sequence change creates a premature translational stop signal (p.Gln424*) in the ALPK3 gene. It is expected to result in an absent or disrupted protein product. Loss-of-function variants in ALPK3 are known to be pathogenic (PMID: 21441111, 26846950, 27106955, 34263907).

Literature cited by the submitters: PubMed 21441111; PubMed 26846950; PubMed 27106955; PubMed 34263907.